The following is an entry in ClinVar:

NM_182914.3(SYNE2):c.18941G>T (p.Ser6314Ile)

Gene: SYNE2 (spectrin repeat containing nuclear envelope protein 2; plus strand). Cytogenetic location: 14q23.2.
Variant type: single nucleotide variant.
Coding change: c.18941G>T on transcript NM_182914.3 (MANE Select); coding-DNA position 18941, G replaced by T.
Protein change: p.Ser6314Ile; replaces serine 6314 with isoleucine.
Molecular consequence: missense variant.
Genome position (GRCh38, 1-based): chr14:64,212,890, G>T. VCF-style: chr14-64212890-G-T. GRCh37 (hg19) VCF-style: chr14-64679608-G-T.
Other names: c.18941G>T (NM_182914.2); c.18941G>T, p.Ser6314Ile (NM_015180.6); short protein forms S6314I.
Identifiers: ClinVar variation 1038929 (VCV001038929.11), dbSNP rs548600640, ClinGen allele CA7224265.

ClinVar aggregate classification (germline): Uncertain significance. Review status: criteria provided, multiple submitters, no conflicts (2 of 4 stars). 2 submissions from 2 submitters: Uncertain significance (2). Last evaluated 2020-07-13.

Conditions:
Emery-Dreifuss muscular dystrophy 5, autosomal dominant (EDMD5). Also called: EMERY-DREIFUSS MUSCULAR DYSTROPHY 5. Identifiers: Orphanet 261, MedGen C2751805, MONDO:0013072, OMIM 612999.

Allele frequency attached by ClinVar (database versions not stated): gnomAD 0.00001; ExAC 0.00007; 1000 Genomes Project 0.00020; 1000 Genomes Project 30x 0.00031.
gnomAD v4.1: 48 of 1,614,210 alleles (0.003%); highest among the groups gnomAD compares: South Asian, 0.046%; no homozygotes.

Submissions (2):

Labcorp Genetics (formerly Invitae), Labcorp
Classification: Uncertain significance for Emery-Dreifuss muscular dystrophy 5, autosomal dominant. Last evaluated: 2020-07-13. Review status: criteria provided, single submitter. Criteria: Invitae Variant Classification Sherloc (09022015). Collection method: clinical testing. Allele origin: germline.
Comment: This variant has not been reported in the literature in individuals with SYNE2-related conditions. In summary, the available evidence is currently insufficient to determine the role of this variant in disease. Therefore, it has been classified as a Variant of Uncertain Significance. Algorithms developed to predict the effect of missense changes on protein structure and function are either unavailable or do not agree on the potential impact of this missense change (SIFT: "Deleterious"; PolyPhen-2: "Possibly Damaging"; Align-GVGD: "Class C0"). This variant is present in population databases (rs548600640, ExAC 0.05%), and has an allele count higher than expected for a pathogenic variant (PMID: 28166811). This sequence change replaces serine with isoleucine at codon 6314 of the SYNE2 protein (p.Ser6314Ile). The serine residue is moderately conserved and there is a large physicochemical difference between serine and isoleucine.

Revvity Omics, Revvity
Classification: Uncertain significance for Emery-Dreifuss muscular dystrophy 5, autosomal dominant. Last evaluated: 2019-08-16. Review status: criteria provided, single submitter. Criteria: ACMG Guidelines, 2015. Collection method: clinical testing. Allele origin: germline.

Literature cited by the submitters: PubMed 28166811 (cited by Labcorp Genetics (formerly Invitae), Labcorp).